The following is an entry in ClinVar:

NM_001040108.2(MLH3):c.3607T>C (p.Leu1203=)

Gene: MLH3 (mutL homolog 3; minus strand). Cytogenetic location: 14q24.3.
Variant type: single nucleotide variant.
Coding change: c.3607T>C on transcript NM_001040108.2 (MANE Select); coding-DNA position 3607, T replaced by C.
Protein change: p.Leu1203=; no amino-acid change (leucine 1203 retained).
Molecular consequence: synonymous variant.
Genome position (GRCh38, 1-based): chr14:75,038,376, A>G on the plus strand (T>C on the coding strand, the complement: MLH3 is on the minus strand). VCF-style: chr14-75038376-A-G. GRCh37 (hg19) VCF-style: chr14-75505079-A-G.
Other names: c.3607T>C, p.Leu1203= (NM_014381.3).
Identifiers: ClinVar variation 1733171 (VCV001733171.3), dbSNP rs1331679382, ClinGen allele CA487176347.

ClinVar aggregate classification (germline): Benign/Likely benign. Review status: criteria provided, multiple submitters, no conflicts (2 of 4 stars). 2 submissions from 2 submitters: Benign (1); Likely benign (1). Last evaluated 2026-05-06.

Conditions:
Colorectal cancer, hereditary nonpolyposis, type 7. Identifiers: Orphanet 144, MedGen C1858380, MONDO:0013725, OMIM 614385.

Allele frequency attached by ClinVar (database versions not stated): gnomAD exomes below 0.00001; TOPMed 0.00001.
gnomAD v4.1: 5 of 1,613,850 alleles (0.00031%); highest among the groups gnomAD compares: Non-Finnish European, 0.00042%; no homozygotes.

Submissions (2):

Myriad Genetics, Inc.
Classification: Benign for Colorectal cancer, hereditary nonpolyposis, type 7. Last evaluated: 2026-05-06. Review status: criteria provided, single submitter. Criteria: Myriad Autosomal Dominant, Autosomal Recessive and X-Linked Classification Criteria (2023). Collection method: clinical testing. Allele origin: unknown.
Comment: This variant is considered benign. This variant is a silent/synonymous amino acid change and it is not expected to impact splicing.

Ambry Genetics
Classification: Likely benign. Last evaluated: 2020-02-10. Review status: criteria provided, single submitter. Criteria: Ambry Variant Classification Scheme 2023. Collection method: clinical testing. Allele origin: germline.